The following is an entry in ClinVar:

ClinVar aggregate classification (germline): Likely benign (0 of 4 stars; one submission).

Conditions:
SEMA3F-related disorder. Also called: SEMA3F-related condition.

Submission:

PreventionGenetics, part of Exact Sciences
Classification: Likely benign for SEMA3F-related condition. Last evaluated: 2023-03-21. Review status: no assertion criteria provided. Collection method: clinical testing. Allele origin: germline.
Comment: This variant is classified as likely benign based on ACMG/AMP sequence variant interpretation guidelines (Richards et al. 2015 PMID: 25741868, with internal and published modifications).

NM_004186.5(SEMA3F):c.2292C>G (p.Pro764=)

Gene: SEMA3F (semaphorin 3F; plus strand). Cytogenetic location: 3p21.31.
Variant type: single nucleotide variant.
Coding change: c.2292C>G on transcript NM_004186.5 (MANE Select); coding-DNA position 2292, C replaced by G.
Protein change: p.Pro764=; no amino-acid change (proline 764 retained).
Molecular consequence: synonymous variant.
Genome position (GRCh38, 1-based): chr3:50,188,049, C>G. VCF-style: chr3-50188049-C-G. GRCh37 (hg19) VCF-style: chr3-50225482-C-G.
Other names: c.1995C>G, p.Pro665= (NM_001318798.2); c.2199C>G, p.Pro733= (NM_001318800.2).
Identifiers: ClinVar variation 3356029 (VCV003356029.1).